The following is an entry in ClinVar:

ClinVar aggregate classification (germline): Uncertain significance (1 of 4 stars; one submission).

gnomAD v4.1: 2 of 1,587,512 alleles (0.00013%); highest among the groups gnomAD compares: Middle Eastern, 0.033%; no homozygotes.

Submission:

Labcorp Genetics (formerly Invitae), Labcorp
Classification: Uncertain significance. Last evaluated: 2025-01-28. Review status: criteria provided, single submitter. Criteria: Invitae Variant Classification Sherloc (09022015). Collection method: clinical testing. Allele origin: germline.
Comment: This sequence change replaces glutamic acid, which is acidic and polar, with lysine, which is basic and polar, at codon 120 of the CLUAP1 protein (p.Glu120Lys). This variant is not present in population databases (gnomAD no frequency). This variant has not been reported in the literature in individuals affected with CLUAP1-related conditions. Invitae Evidence Modeling of protein sequence and biophysical properties (such as structural, functional, and spatial information, amino acid conservation, physicochemical variation, residue mobility, and thermodynamic stability) indicates that this missense variant is not expected to disrupt CLUAP1 protein function with a negative predictive value of 80%. In summary, the available evidence is currently insufficient to determine the role of this variant in disease. Therefore, it has been classified as a Variant of Uncertain Significance.

NM_015041.3(CLUAP1):c.358G>A (p.Glu120Lys)

Gene: CLUAP1 (clusterin associated protein 1; plus strand). Cytogenetic location: 16p13.3.
Variant type: single nucleotide variant.
Coding change: c.358G>A on transcript NM_015041.3 (MANE Select); coding-DNA position 358, G replaced by A.
Protein change: p.Glu120Lys; replaces glutamic acid 120 with lysine.
Molecular consequence: missense variant.
Genome position (GRCh38, 1-based): chr16:3,508,427, G>A. VCF-style: chr16-3508427-G-A. GRCh37 (hg19) VCF-style: chr16-3558427-G-A.
Other names: c.358G>A, p.Glu120Lys (NM_001330454.2); short protein forms E120K.
Identifiers: ClinVar variation 3691111 (VCV003691111.2).